The following is an entry in ClinVar:

NM_001069.3(TUBB2A):c.1054G>A (p.Ala352Thr)

Gene: TUBB2A (tubulin beta 2A class IIa; minus strand). Cytogenetic location: 6p25.2.
Variant type: single nucleotide variant.
Coding change: c.1054G>A on transcript NM_001069.3 (MANE Select); coding-DNA position 1054, G replaced by A.
Protein change: p.Ala352Thr; replaces alanine 352 with threonine.
Molecular consequence: missense variant.
Genome position (GRCh38, 1-based): chr6:3,154,147, C>T on the plus strand (G>A on the coding strand, the complement: TUBB2A is on the minus strand). VCF-style: chr6-3154147-C-T. GRCh37 (hg19) VCF-style: chr6-3154381-C-T.
Other names: c.799G>A, p.Ala267Thr (NM_001310315.2); short protein forms A267T, A352T.
Identifiers: ClinVar variation 1702755 (VCV001702755.2), dbSNP rs2113785097, ClinGen allele CA362591338.

ClinVar aggregate classification (germline): Uncertain significance (1 of 4 stars; one submission).

Submission:

GeneDx
Classification: Uncertain significance. Last evaluated: 2022-02-22. Review status: criteria provided, single submitter. Criteria: GeneDx Variant Classification Process June 2021. Collection method: clinical testing. Allele origin: germline. Affected: yes.
Comment: Not observed at significant frequency in large population cohorts (gnomAD); In silico analysis supports that this missense variant does not alter protein structure/function; Has not been previously published as pathogenic or benign to our knowledge